The following is an entry in ClinVar:

ClinVar aggregate classification (germline): Uncertain significance (1 of 4 stars; one submission).

Submission:

Labcorp Genetics (formerly Invitae), Labcorp
Classification: Uncertain significance. Last evaluated: 2024-07-02. Review status: criteria provided, single submitter. Criteria: Invitae Variant Classification Sherloc (09022015). Collection method: clinical testing. Allele origin: germline.
Comment: This sequence change replaces leucine, which is neutral and non-polar, with arginine, which is basic and polar, at codon 2386 of the DCHS1 protein (p.Leu2386Arg). This variant is not present in population databases (gnomAD no frequency). This variant has not been reported in the literature in individuals affected with DCHS1-related conditions. Advanced modeling of protein sequence and biophysical properties (such as structural, functional, and spatial information, amino acid conservation, physicochemical variation, residue mobility, and thermodynamic stability) performed at Invitae indicates that this missense variant is not expected to disrupt DCHS1 protein function with a negative predictive value of 80%. In summary, the available evidence is currently insufficient to determine the role of this variant in disease. Therefore, it has been classified as a Variant of Uncertain Significance.

NM_003737.4(DCHS1):c.7157T>G (p.Leu2386Arg)

Gene: DCHS1 (dachsous cadherin-related 1; minus strand). Cytogenetic location: 11p15.4.
Variant type: single nucleotide variant.
Coding change: c.7157T>G on transcript NM_003737.4 (MANE Select); coding-DNA position 7157, T replaced by G.
Protein change: p.Leu2386Arg; replaces leucine 2386 with arginine.
Molecular consequence: missense variant.
Genome position (GRCh38, 1-based): chr11:6,624,858, A>C on the plus strand (T>G on the coding strand, the complement: DCHS1 is on the minus strand). VCF-style: chr11-6624858-A-C. GRCh37 (hg19) VCF-style: chr11-6646089-A-C.
Other names: short protein forms L2386R.
Identifiers: ClinVar variation 3658499 (VCV003658499.2).
Genomic context (GRCh38, chr11:6,624,858, plus strand): 5'-CCTGAGTCCCGATCAGTGGCAGAGACGGAGAGAATGGCACTGCCTGGGGGTGTGTGCTCA[A>C]GCAGCATTACCTGAAGTGTGAGGAAAAGTGCTTATTGCCAGGCTTCCCATTTGCCCTGCT-3'
Protein context (NP_003728.1, residues 2376-2396): FSQSLYQVML[Leu2386Arg]EHTPPGSAIL